The following is an entry in ClinVar:

ClinVar aggregate classification (germline): Uncertain significance. Review status: criteria provided, multiple submitters, no conflicts (2 of 4 stars). 2 submissions from 2 submitters: Uncertain significance (2). Last evaluated 2025-03-25.

Conditions:
Gastrointestinal stromal tumor. Also called: Gastrointestinal stromal tumor, somatic; Gastrointestinal stroma tumor. Identifiers: Orphanet 44890, MedGen C0238198, MeSH D046152, MONDO:0011719, OMIM 606764, HP:0100723.
Polyps, multiple and recurrent inflammatory fibroid, gastrointestinal. Identifiers: MedGen C5193005, MONDO:0008285, OMIM 175510.

Submissions (2):

Labcorp Genetics (formerly Invitae), Labcorp
Classification: Uncertain significance for Gastrointestinal stromal tumor. Last evaluated: 2025-03-25. Review status: criteria provided, single submitter. Criteria: Invitae Variant Classification Sherloc (09022015). Collection method: clinical testing. Allele origin: germline.
Comment: This sequence change replaces glutamine, which is neutral and polar, with arginine, which is basic and polar, at codon 579 of the PDGFRA protein (p.Gln579Arg). This variant is not present in population databases (gnomAD no frequency). This variant has not been reported in the literature in individuals affected with PDGFRA-related conditions. ClinVar contains an entry for this variant (Variation ID: 2677586). Invitae Evidence Modeling of protein sequence and biophysical properties (such as structural, functional, and spatial information, amino acid conservation, physicochemical variation, residue mobility, and thermodynamic stability) indicates that this missense variant is not expected to disrupt PDGFRA protein function with a negative predictive value of 80%. In summary, the available evidence is currently insufficient to determine the role of this variant in disease. Therefore, it has been classified as a Variant of Uncertain Significance.

Baylor Genetics
Classification: Uncertain significance for Polyps, multiple and recurrent inflammatory fibroid, gastrointestinal. Last evaluated: 2023-08-04. Review status: criteria provided, single submitter. Criteria: ACMG Guidelines, 2015. Collection method: clinical testing. Allele origin: unknown.

NM_006206.6(PDGFRA):c.1736A>G (p.Gln579Arg)

Gene: PDGFRA (platelet derived growth factor receptor alpha; plus strand). Cytogenetic location: 4q12.
Variant type: single nucleotide variant.
Coding change: c.1736A>G on transcript NM_006206.6 (MANE Select); coding-DNA position 1736, A replaced by G.
Protein change: p.Gln579Arg; replaces glutamine 579 with arginine.
Molecular consequence: missense variant.
Genome position (GRCh38, 1-based): chr4:54,274,923, A>G. VCF-style: chr4-54274923-A-G. GRCh37 (hg19) VCF-style: chr4-55141090-A-G.
Other names: c.1736A>G, p.Gln579Arg (NM_001347829.2, NM_001347827.2); c.1775A>G, p.Gln592Arg (NM_001347830.2); c.1811A>G, p.Gln604Arg (NM_001347828.2); short protein forms Q579R, Q592R, Q604R.
Identifiers: ClinVar variation 2677586 (VCV002677586.2), dbSNP rs2110300265, ClinGen allele CA356893200.
Genomic context (GRCh38, chr4:54,274,923, plus strand): 5'-GGAGGGTCATTGAATCAATCAGCCCAGATGGACATGAATATATTTATGTGGACCCGATGC[A>G]GCTGCCTTATGACTCAAGATGGGAGTTTCCAAGAGATGGACTAGTGCTTGGTAAGTTCCA-3'
Protein context (NP_006197.1, residues 569-589): GHEYIYVDPM[Gln579Arg]LPYDSRWEFP